The following is an entry in ClinVar:

NM_001371596.2(MFSD8):c.91C>G (p.His31Asp)

Gene: MFSD8 (major facilitator superfamily domain containing 8; minus strand). Cytogenetic location: 4q28.2.
Variant type: single nucleotide variant.
Coding change: c.91C>G on transcript NM_001371596.2 (MANE Select); coding-DNA position 91, C replaced by G.
Protein change: p.His31Asp; replaces histidine 31 with aspartic acid.
Molecular consequence: missense variant. On other transcripts: 5 prime UTR variant (1).
Genome position (GRCh38, 1-based): chr4:127,957,564, G>C on the plus strand (C>G on the coding strand, the complement: MFSD8 is on the minus strand). VCF-style: chr4-127957564-G-C. GRCh37 (hg19) VCF-style: chr4-128878719-G-C.
Other names: c.91C>G, p.His31Asp (NM_001363520.3, NM_001363521.3, NM_001371591.2 and 5 more transcripts); c.-45C>G (NM_001371590.2, NM_001371595.1, NM_001410765.1); short protein forms H31D.
Identifiers: ClinVar variation 1420536 (VCV001420536.8), dbSNP rs1296514095, ClinGen allele CA358165192.

ClinVar aggregate classification (germline): Uncertain significance. Review status: criteria provided, multiple submitters, no conflicts (2 of 4 stars). 2 submissions from 2 submitters: Uncertain significance (2). Last evaluated 2023-08-04.

Conditions:
Neuronal ceroid lipofuscinosis 7 (CLN7). Also called: MFSD8-Related Neuronal Ceroid-Lipofuscinosis. Identifiers: Orphanet 168491, Orphanet 228366, MedGen C1838571, MONDO:0012588, OMIM 610951.

Allele frequency attached by ClinVar (database versions not stated): gnomAD exomes below 0.00001 and 0.00001.
gnomAD v4.1: 3 of 1,611,522 alleles (0.00019%); highest among the groups gnomAD compares: Non-Finnish European, 0.00025%; no homozygotes.

Submissions (2):

Labcorp Genetics (formerly Invitae), Labcorp
Classification: Uncertain significance for Neuronal ceroid lipofuscinosis 7. Last evaluated: 2023-08-04. Review status: criteria provided, single submitter. Criteria: Invitae Variant Classification Sherloc (09022015). Collection method: clinical testing. Allele origin: germline.
Comment: This sequence change replaces histidine, which is basic and polar, with aspartic acid, which is acidic and polar, at codon 31 of the MFSD8 protein (p.His31Asp). This variant is present in population databases (no rsID available, gnomAD 0.002%). This variant has not been reported in the literature in individuals affected with MFSD8-related conditions. ClinVar contains an entry for this variant (Variation ID: 1420536). In summary, the available evidence is currently insufficient to determine the role of this variant in disease. Therefore, it has been classified as a Variant of Uncertain Significance. Advanced modeling of protein sequence and biophysical properties (such as structural, functional, and spatial information, amino acid conservation, physicochemical variation, residue mobility, and thermodynamic stability) has been performed at Invitae for this missense variant, however the output from this modeling did not meet the statistical confidence thresholds required to predict the impact of this variant on MFSD8 protein function.

Blueprint Genetics
Classification: Uncertain significance. Last evaluated: 2019-04-24. Review status: criteria provided, single submitter. Criteria: ACMG Guidelines, 2015. Collection method: clinical testing. Allele origin: germline.